The following is an entry in ClinVar:

ClinVar aggregate classification (germline): Conflicting classifications of pathogenicity. Review status: criteria provided, conflicting classifications (1 of 4 stars). 2 submissions from 2 submitters: Likely pathogenic (1); Uncertain significance (1). Last evaluated 2025-08-18.

Conditions:
Epilepsy, childhood absence, susceptibility to, 5. Identifiers: Orphanet 64280, MedGen C2677087, MONDO:0012843, OMIM 612269.
Epilepsy, childhood absence, susceptibility to, 1. Also called: Epilepsy, childhood absence 1. Identifiers: Orphanet 64280, MedGen C1838604, MONDO:0020759, OMIM 600131.

Allele frequency attached by ClinVar (database versions not stated): TOPMed 0.00002; gnomAD 0.00003; ESP Exome Variant Server 0.00015; gnomAD exomes 0.00001; ExAC 0.00002.
gnomAD v4.1: 17 of 1,609,896 alleles (0.0011%); highest among the groups gnomAD compares: Non-Finnish European, 0.0014%; no homozygotes.

Submissions (2):

Labcorp Genetics (formerly Invitae), Labcorp
Classification: Likely pathogenic for Epilepsy, childhood absence, susceptibility to, 5; Epilepsy, childhood absence, susceptibility to, 1. Last evaluated: 2025-08-18. Review status: criteria provided, single submitter. Criteria: Invitae Variant Classification Sherloc (09022015). Collection method: clinical testing. Allele origin: germline.
Comment: This sequence change falls in intron 5 of the GABRB3 gene. It does not directly change the encoded amino acid sequence of the GABRB3 protein. It affects a nucleotide within the consensus splice site. This variant is present in population databases (rs377463653, gnomAD 0.002%). This variant has been observed in individuals with clinical features of GABRB3-related conditions (internal data). ClinVar contains an entry for this variant (Variation ID: 872113). Variants that disrupt the consensus splice site are a relatively common cause of aberrant splicing (PMID: 17576681, 9536098). Algorithms developed to predict the effect of sequence changes on RNA splicing suggest that this variant may disrupt the consensus splice site. In summary, the currently available evidence indicates that the variant is pathogenic, but additional data are needed to prove that conclusively. Therefore, this variant has been classified as Likely Pathogenic.

CeGaT Center for Human Genetics Tuebingen
Classification: Uncertain significance. Last evaluated: 2019-07-01. Review status: criteria provided, single submitter. Criteria: CeGaT Center For Human Genetics Tuebingen Variant Classification Criteria Version 2. Collection method: clinical testing. Allele origin: germline. Affected: yes. Observed: 1 variant allele.

Literature cited by the submitters: PubMed 17576681 (cited by Labcorp Genetics (formerly Invitae), Labcorp); PubMed 9536098 (cited by Labcorp Genetics (formerly Invitae), Labcorp).

NM_000814.6(GABRB3):c.544+3G>T

Gene: GABRB3 (gamma-aminobutyric acid type A receptor subunit beta3; minus strand). Cytogenetic location: 15q12.
Variant type: single nucleotide variant.
Coding change: c.544+3G>T on transcript NM_000814.6 (MANE Select); 3 bases into the intron after coding-DNA position 544, G replaced by T.
Molecular consequence: intron variant.
Genome position (GRCh38, 1-based): chr15:26,583,329, C>A on the plus strand (G>T on the coding strand, the complement: GABRB3 is on the minus strand). VCF-style: chr15-26583329-C-A. GRCh37 (hg19) VCF-style: chr15-26828476-C-A.
Other names: c.544+3G>T (NM_021912.5); c.289+3G>T (NM_001278631.2, NM_001191320.2); c.331+3G>T (NM_001191321.3).
Identifiers: ClinVar variation 872113 (VCV000872113.46), dbSNP rs377463653, ClinGen allele CA7437424.